The following is an entry in ClinVar:

ClinVar aggregate classification (germline): Uncertain significance. Review status: criteria provided, multiple submitters, no conflicts (2 of 4 stars). 2 submissions from 2 submitters: Uncertain significance (2). Last evaluated 2021-06-12.

Conditions:
Ehlers-Danlos syndrome, classic type, 1 (EDSCL1). Also called: EHLERS-DANLOS SYNDROME, GRAVIS TYPE; EHLERS-DANLOS SYNDROME, SEVERE CLASSIC TYPE; Ehlers-Danlos syndrome, type 1; EDS I; Ehlers-Danlos Syndrome, Classic Type, COL5A1-Related. Identifiers: MedGen C0268335, MONDO:0019567, OMIM 130000.
Ehlers-Danlos syndrome, classic type, 2 (EDSCL2). Also called: Ehlers-Danlos syndrome, type 2; Ehlers-Danlos syndrome type 2 (formerly); Ehlers-Danlos Syndrome, Classic Type, COL5A2-Related. Identifiers: Orphanet 287, Orphanet 90318, MedGen C0268336, MONDO:0019568, OMIM 130010.

Submissions (2):

Revvity Omics, Revvity
Classification: Uncertain significance for Ehlers-Danlos syndrome, classic type, 2. Last evaluated: 2021-06-12. Review status: criteria provided, single submitter. Criteria: ACMG Guidelines, 2015. Collection method: clinical testing. Allele origin: germline.

Labcorp Genetics (formerly Invitae), Labcorp
Classification: Uncertain significance for Ehlers-Danlos syndrome, classic type, 1. Last evaluated: 2020-11-17. Review status: criteria provided, single submitter. Criteria: Invitae Variant Classification Sherloc (09022015). Collection method: clinical testing. Allele origin: germline.
Comment: This variant is not present in population databases (ExAC no frequency). This variant has not been reported in the literature in individuals with COL5A2-related conditions. Advanced modeling of protein sequence and biophysical properties (such as structural, functional, and spatial information, amino acid conservation, physicochemical variation, residue mobility, and thermodynamic stability) performed at Invitae indicates that this missense variant is expected to disrupt COL5A2 protein function. In summary, the available evidence is currently insufficient to determine the role of this variant in disease. Therefore, it has been classified as a Variant of Uncertain Significance. This sequence change replaces glycine with alanine at codon 159 of the COL5A2 protein (p.Gly159Ala). The glycine residue is highly conserved and there is a small physicochemical difference between glycine and alanine.

NM_000393.5(COL5A2):c.476G>C (p.Gly159Ala)

Gene: COL5A2 (collagen type V alpha 2 chain; minus strand). Cytogenetic location: 2q32.2.
Variant type: single nucleotide variant.
Coding change: c.476G>C on transcript NM_000393.5 (MANE Select); coding-DNA position 476, G replaced by C.
Protein change: p.Gly159Ala; replaces glycine 159 with alanine.
Molecular consequence: missense variant.
Genome position (GRCh38, 1-based): chr2:189,092,401, C>G on the plus strand (G>C on the coding strand, the complement: COL5A2 is on the minus strand). VCF-style: chr2-189092401-C-G. GRCh37 (hg19) VCF-style: chr2-189957127-C-G.
Other names: short protein forms G159A.
Identifiers: ClinVar variation 1348795 (VCV001348795.10), dbSNP rs1686807213, ClinGen allele CA349861715.